The following is an entry in ClinVar:

ClinVar aggregate classification (germline): Uncertain significance (1 of 4 stars; one submission).

Conditions:
Hereditary cancer-predisposing syndrome. Also called: Neoplastic Syndromes, Hereditary; Tumor predisposition; Hereditary Cancer Syndrome; Hereditary neoplastic syndrome. Identifiers: Orphanet 140162, MedGen C0027672, MeSH D009386, MONDO:0015356.

Submission:

Ambry Genetics
Classification: Uncertain significance for Hereditary cancer-predisposing syndrome. Last evaluated: 2018-02-08. Review status: criteria provided, single submitter. Criteria: Ambry Variant Classification Scheme 2023. Collection method: clinical testing. Allele origin: germline.
Comment: The p.D797E variant (also known as c.2391C>A), located in coding exon 4 of the MSH6 gene, results from a C to A substitution at nucleotide position 2391. The aspartic acid at codon 797 is replaced by glutamic acid, an amino acid with highly similar properties. This amino acid position is highly conserved through mammals but not in all available vertebrate species. In addition, the in silico prediction for this alteration is inconclusive. In addition, the CoDP in silico tool predicts this alteration will have a minor impact on molecular function, with a score of 0.032 (Terui H et al. J. Biomed. Sci. 2013 Apr;20:25). Since supporting evidence is limited at this time, the clinical significance of this alteration remains unclear.

NM_000179.3(MSH6):c.2391C>A (p.Asp797Glu)

Gene: MSH6 (mutS homolog 6; plus strand). Cytogenetic location: 2p16.3.
Variant type: single nucleotide variant.
Coding change: c.2391C>A on transcript NM_000179.3 (MANE Select); coding-DNA position 2391, C replaced by A.
Protein change: p.Asp797Glu; replaces aspartic acid 797 with glutamic acid.
Molecular consequence: missense variant.
Genome position (GRCh38, 1-based): chr2:47,800,374, C>A. VCF-style: chr2-47800374-C-A. GRCh37 (hg19) VCF-style: chr2-48027513-C-A.
Other names: c.2001C>A, p.Asp667Glu (NM_001281492.2); c.1485C>A, p.Asp495Glu (NM_001281493.2, NM_001281494.2); short protein forms D495E, D797E, D667E.
Identifiers: ClinVar variation 821198 (VCV000821198.4), dbSNP rs754870044, ClinGen allele CA346753843.